The following is an entry in ClinVar:

NM_004820.5(CYP7B1):c.1162C>T (p.Arg388Ter)

Gene: CYP7B1 (cytochrome P450 family 7 subfamily B member 1; minus strand). Cytogenetic location: 8q12.3.
Variant type: single nucleotide variant.
Coding change: c.1162C>T on transcript NM_004820.5 (MANE Select); coding-DNA position 1162, C replaced by T.
Protein change: p.Arg388Ter; replaces arginine 388 with a stop codon.
Molecular consequence: nonsense.
Genome position (GRCh38, 1-based): chr8:64,604,753, G>A on the plus strand (C>T on the coding strand, the complement: CYP7B1 is on the minus strand). VCF-style: chr8-64604753-G-A. GRCh37 (hg19) VCF-style: chr8-65517310-G-A.
Other names: c.1162C>T, p.Arg388Ter (NM_001324112.2); short protein forms R388*.
Identifiers: ClinVar variation 6100 (VCV000006100.18), dbSNP rs72554620, ClinGen allele CA117938.

ClinVar aggregate classification (germline): Pathogenic. Review status: criteria provided, multiple submitters, no conflicts (2 of 4 stars). 7 submissions from 6 submitters: Pathogenic (5). 2 of the submissions do not count toward it. Last evaluated 2025-12-30.

Conditions:
Spastic paraplegia. Identifiers: MedGen C0037772, HP:0001258.
Congenital bile acid synthesis defect 3. Identifiers: Orphanet 79302, MedGen C3151147, MONDO:0013439, OMIM 613812.
Hereditary spastic paraplegia 5A (SPG5A). Also called: SPASTIC PARAPLEGIA 5A, AUTOSOMAL RECESSIVE. Identifiers: Orphanet 100986, MedGen C1849115, MONDO:0010047, OMIM 270800.

Allele frequency attached by ClinVar (database versions not stated): gnomAD exomes below 0.00001; ExAC 0.00001; gnomAD 0.00001; TOPMed 0.00002.
gnomAD v4.1: 13 of 1,613,958 alleles (0.00081%); highest among the groups gnomAD compares: East Asian, 0.0067%; no homozygotes.

Submissions (7):

Labcorp Genetics (formerly Invitae), Labcorp
Classification: Pathogenic for Spastic paraplegia. Last evaluated: 2025-12-30. Review status: criteria provided, single submitter. Criteria: Invitae Variant Classification Sherloc (09022015). Collection method: clinical testing. Allele origin: germline.
Comment: This sequence change creates a premature translational stop signal (p.Arg388*) in the CYP7B1 gene. It is expected to result in an absent or disrupted protein product. Loss-of-function variants in CYP7B1 are known to be pathogenic (PMID: 9802883, 19363635, 19439420, 21541746, 21567895, 28039895). This variant is present in population databases (rs72554620, gnomAD 0.005%). This premature translational stop signal has been observed in individuals with hereditary spastic paraplegia and neonatal liver failure (PMID: 9802883, 18252231, 19812052). ClinVar contains an entry for this variant (Variation ID: 6100). For these reasons, this variant has been classified as Pathogenic.

Genomic Medicine Center of Excellence, King Faisal Specialist Hospital and Research Centre
Classification: Pathogenic for Hereditary spastic paraplegia 5A. Last evaluated: 2025-09-10. Review status: criteria provided, single submitter. Criteria: ACMG Guidelines, 2015. Collection method: clinical testing. Allele origin: germline.

Neuberg Centre For Genomic Medicine, NCGM
Classification: Pathogenic for Hereditary spastic paraplegia 5A. Last evaluated: 2023-05-20. Review status: criteria provided, single submitter. Criteria: ACMG Guidelines, 2015. Collection method: clinical testing. Allele origin: germline. Inheritance: Autosomal recessive inheritance. Affected: yes.
Comment: The observed stop gained c.1162C>T(p.Arg388Ter) variant in CYP7B1 gene has been reported previously in homozygous state in multiple individuals affected with hereditary spastic paraplegia (Schüle R, et al., 2010; Tsaousidou MK, et al., 2008; Siam A, et al., 2012). Functional studies demonstrate that this variant leads to protein truncation and is expected to produce a non-functional gene product (Siam A, et al., 2012). The c.1162C>T variant has been reported with allele frequency of 0.0004% in gnomAD Exomes. This variant has been submitted to the ClinVar database as Pathogenic (multiple submissions). Computational evidence (MutationTaster - Disease causing) predicts a damaging effect on protein structure and function for this variant. The nucleotide change c.1162C>T in CYP7B1 is predicted as conserved by GERP++ and PhyloP across 100 vertebrates. This sequence change creates a premature translational stop signal (p.Arg388Ter) in the CYP7B1 gene. This variant is predicted to cause loss of normal protein function through protein truncation. Loss of function variants in CYP7B1 gene have been previously reported to be pathogenic (Goizet C, et al., 2009). For these reasons, this variant has been classified as Pathogenic.

Centre for Mendelian Genomics, University Medical Centre Ljubljana
Classification: Pathogenic for Hereditary spastic paraplegia 5A. Last evaluated: 2020-02-27. Review status: criteria provided, single submitter. Criteria: ACMG Guidelines, 2015. Collection method: clinical testing. Allele origin: unknown. Affected: yes.
Comment: This variant was classified as: Pathogenic. The following ACMG criteria were applied in classifying this variant: PVS1,PS4_MOD,PM2.

Paris Brain Institute, Inserm - ICM
Classification: Pathogenic for Hereditary spastic paraplegia 5A. Review status: criteria provided, single submitter. Criteria: ACMG Guidelines, 2015. Collection method: clinical testing. Allele origin: unknown. Affected: yes. Observed: 2 variant alleles.

OMIM
Classification: Pathogenic for BILE ACID SYNTHESIS DEFECT, CONGENITAL, 3. Last evaluated: 2008-02-01. Review status: no assertion criteria provided. Collection method: literature only. Allele origin: germline. Not counted in ClinVar's aggregate classification.

OMIM
Classification: Pathogenic for SPASTIC PARAPLEGIA 5A, AUTOSOMAL RECESSIVE. Last evaluated: 2008-02-01. Review status: no assertion criteria provided. Collection method: literature only. Allele origin: germline. Not counted in ClinVar's aggregate classification.

Literature cited by the submitters: PubMed 9802883 (cited by Labcorp Genetics (formerly Invitae), Labcorp and OMIM); PubMed 19363635 (cited by Labcorp Genetics (formerly Invitae), Labcorp); PubMed 19439420 (cited by Labcorp Genetics (formerly Invitae), Labcorp); PubMed 21541746 (cited by Labcorp Genetics (formerly Invitae), Labcorp); PubMed 21567895 (cited by Labcorp Genetics (formerly Invitae), Labcorp); PubMed 28039895 (cited by Labcorp Genetics (formerly Invitae), Labcorp); PubMed 18252231 (cited by Labcorp Genetics (formerly Invitae), Labcorp and OMIM); PubMed 19812052 (cited by Labcorp Genetics (formerly Invitae), Labcorp).